The following is an entry in ClinVar:

ClinVar aggregate classification (germline): Conflicting classifications of pathogenicity. Review status: criteria provided, conflicting classifications (1 of 4 stars). 5 submissions from 5 submitters: Uncertain significance (3); Likely benign (2). Last evaluated 2025-12-30.

Conditions:
Hereditary cancer. Identifiers: MedGen C1333600.
POLD1-related polyposis and colorectal cancer syndrome (CRCS10). Also called: COLORECTAL CANCER, SUSCEPTIBILITY TO, ON CHROMOSOME 19q; Colorectal cancer 10; Colorectal cancer, susceptibility to, 10. Identifiers: Orphanet 220460, MedGen C2675481, MONDO:0012953, OMIM 612591.
Hereditary cancer-predisposing syndrome. Also called: Hereditary Cancer Syndrome; Neoplastic Syndromes, Hereditary; Hereditary neoplastic syndrome; Tumor predisposition. Identifiers: Orphanet 140162, MedGen C0027672, MeSH D009386, MONDO:0015356.

Allele frequency attached by ClinVar (database versions not stated): gnomAD exomes below 0.00001; TOPMed below 0.00001; gnomAD 0.00001.
gnomAD v4.1: 5 of 1,613,828 alleles (0.00031%); highest among the groups gnomAD compares: Admixed American, 0.0017%; no homozygotes.

Submissions (5):

Dasa
Classification: Uncertain significance for POLD1-related polyposis and colorectal cancer syndrome. Last evaluated: 2025-12-30. Review status: criteria provided, single submitter. Criteria: DASA Assertion Criteria. Collection method: clinical testing. Allele origin: germline.
Comment: NM_002691.4(POLD1):c.224T>C (p.Ile75Thr) is a missense variant that results in the substitution of isoleucine with threonine. This variant is rare in population databases. Computational prediction algorithms are consistent with a benign effect. The currently available literature and clinical evidence are not sufficient to establish a definitive association between this variant and the reported condition. Therefore, this variant is classified as a variant of uncertain significance.

Labcorp Genetics (formerly Invitae), Labcorp
Classification: Uncertain significance for POLD1-related polyposis and colorectal cancer syndrome. Last evaluated: 2025-11-17. Review status: criteria provided, single submitter. Criteria: Invitae Variant Classification Sherloc (09022015). Collection method: clinical testing. Allele origin: germline.
Comment: This sequence change replaces isoleucine, which is neutral and non-polar, with threonine, which is neutral and polar, at codon 75 of the POLD1 protein (p.Ile75Thr). This variant is present in population databases (no rsID available, gnomAD 0.01%). This variant has not been reported in the literature in individuals affected with POLD1-related conditions. ClinVar contains an entry for this variant (Variation ID: 239277). Invitae Evidence Modeling of protein sequence and biophysical properties (such as structural, functional, and spatial information, amino acid conservation, physicochemical variation, residue mobility, and thermodynamic stability) indicates that this missense variant is not expected to disrupt POLD1 protein function with a negative predictive value of 80%. In summary, the available evidence is currently insufficient to determine the role of this variant in disease. Therefore, it has been classified as a Variant of Uncertain Significance.

Mendelics
Classification: Likely benign for Hereditary cancer. Last evaluated: 2025-02-27. Review status: criteria provided, single submitter. Criteria: ACMG Guidelines, 2015. Collection method: clinical testing. Allele origin: unknown.
Comment: This variant is considered likely benign or benign based on one or more of the following: it is predicted to be benign by multiple in silico algorithms, and/or has population frequency not consistent with disease, and/or has normal protein function, and/or has lack of segregation with disease, and/or has been detected in co-occurrence with known pathogenic variant, and/or has lack of disease association in case-control studies, and/or is located in a region inconsistent with a known cause of pathogenicity.

Ambry Genetics
Classification: Likely benign for Hereditary cancer-predisposing syndrome. Last evaluated: 2024-03-28. Review status: criteria provided, single submitter. Criteria: Ambry Variant Classification Scheme 2023. Collection method: clinical testing. Allele origin: germline.

GeneDx
Classification: Uncertain significance. Last evaluated: 2024-01-26. Review status: criteria provided, single submitter. Criteria: GeneDx Variant Classification Process June 2021. Collection method: clinical testing. Allele origin: germline. Affected: yes.
Comment: Not observed at significant frequency in large population cohorts (gnomAD); In silico analysis supports that this missense variant does not alter protein structure/function; Identified in patients with personal and family history of breast and/or ovarian cancer (PMID: 35534704); This variant is associated with the following publications: (PMID: 35534704)

NM_002691.4(POLD1):c.224T>C (p.Ile75Thr)

Gene: POLD1 (DNA polymerase delta 1, catalytic subunit; plus strand). Cytogenetic location: 19q13.33.
Variant type: single nucleotide variant.
Coding change: c.224T>C on transcript NM_002691.4 (MANE Select); coding-DNA position 224, T replaced by C.
Protein change: p.Ile75Thr; replaces isoleucine 75 with threonine.
Molecular consequence: missense variant. On other transcripts: non-coding transcript variant (1).
Genome position (GRCh38, 1-based): chr19:50,399,392, T>C. VCF-style: chr19-50399392-T-C. GRCh37 (hg19) VCF-style: chr19-50902649-T-C.
Other names: c.224T>C, p.Ile75Thr (NM_001256849.1, NM_001308632.1); short protein forms I75T.
Identifiers: ClinVar variation 239277 (VCV000239277.18), dbSNP rs878854534, ClinGen allele CA10583812.
Genomic context (GRCh38, chr19:50,399,392, plus strand): 5'-TGACTCCATGTACTCCACTTCCTTCCCTTCCCCCACCAGGGCAGGTCCCACCATCAGCCA[T>C]AGATCCTCGCTGGCTTCGGCCCACACCACCAGCGCTGGACCCCCAGACAGAGCCCCTCAT-3'
Protein context (NP_002682.2, residues 65-85): VADGQVPPSA[Ile75Thr]DPRWLRPTPP